The following is an entry in ClinVar:

ClinVar aggregate classification (germline): Likely benign (1 of 4 stars; one submission).

Submission:

CeGaT Center for Human Genetics Tuebingen
Classification: Likely benign. Last evaluated: 2024-03-01. Review status: criteria provided, single submitter. Criteria: CeGaT Center For Human Genetics Tuebingen Variant Classification Criteria Version 2. Collection method: clinical testing. Allele origin: germline. Affected: yes. Observed: 1 variant allele.
Comment: ABCC9: PM2:Supporting, BP4, BP7

NM_020297.4(ABCC9):c.3423C>T (p.Pro1141=)

Gene: ABCC9 (ATP binding cassette subfamily C member 9; minus strand). Cytogenetic location: 12p12.1.
Variant type: single nucleotide variant.
Coding change: c.3423C>T on transcript NM_020297.4 (MANE Select); coding-DNA position 3423, C replaced by T.
Protein change: p.Pro1141=; no amino-acid change (proline 1141 retained).
Molecular consequence: synonymous variant.
Genome position (GRCh38, 1-based): chr12:21,842,364, G>A on the plus strand (C>T on the coding strand, the complement: ABCC9 is on the minus strand). VCF-style: chr12-21842364-G-A. GRCh37 (hg19) VCF-style: chr12-21995298-G-A.
Other names: c.3423C>T, p.Pro1141= (NM_001377273.1, NM_005691.4); c.2556C>T, p.Pro852= (NM_001377274.1).
Identifiers: ClinVar variation 3067693 (VCV003067693.21), dbSNP rs2541055462, ClinGen allele CA478876232.